The following is an entry in ClinVar:

ClinVar aggregate classification (germline): Uncertain significance. Review status: criteria provided, multiple submitters, no conflicts (2 of 4 stars). 2 submissions from 2 submitters: Uncertain significance (2). Last evaluated 2025-03-01.

Conditions:
Neurodevelopmental disorder with or without hyperkinetic movements and seizures, autosomal dominant. Also called: Intellectual disability, autosomal dominant 8. Identifiers: MedGen C3280282, MONDO:0013655, OMIM 614254.

Allele frequency attached by ClinVar (database versions not stated): gnomAD exomes below 0.00001.
gnomAD v4.1: 2 of 1,612,724 alleles (0.00012%); highest among the groups gnomAD compares: Non-Finnish European, 0.000085%; no homozygotes.

Submissions (2):

CeGaT Center for Human Genetics Tuebingen
Classification: Uncertain significance. Last evaluated: 2025-03-01. Review status: criteria provided, single submitter. Criteria: CeGaT Center For Human Genetics Tuebingen Variant Classification Criteria Version 2. Collection method: clinical testing. Allele origin: germline. Affected: yes. Observed: 1 variant allele.
Comment: GRIN1: PS2:Moderate, PM1:Supporting, PP2, PP3

Labcorp Genetics (formerly Invitae), Labcorp
Classification: Uncertain significance for Neurodevelopmental disorder with or without hyperkinetic movements and seizures, autosomal dominant. Last evaluated: 2021-03-26. Review status: criteria provided, single submitter. Criteria: Invitae Variant Classification Sherloc (09022015). Collection method: clinical testing. Allele origin: germline.
Comment: In summary, the available evidence is currently insufficient to determine the role of this variant in disease. Therefore, it has been classified as a Variant of Uncertain Significance. Algorithms developed to predict the effect of sequence changes on RNA splicing suggest that this variant may create or strengthen a splice site, but this prediction has not been confirmed by published transcriptional studies. Advanced modeling of protein sequence and biophysical properties (such as structural, functional, and spatial information, amino acid conservation, physicochemical variation, residue mobility, and thermodynamic stability) performed at Invitae indicates that this missense variant is expected to disrupt GRIN1 protein function. This variant has not been reported in the literature in individuals with GRIN1-related conditions. This variant is not present in population databases (ExAC no frequency). This sequence change replaces arginine with glutamine at codon 859 of the GRIN1 protein (p.Arg859Gln). The arginine residue is highly conserved and there is a small physicochemical difference between arginine and glutamine.

NM_007327.4(GRIN1):c.2576G>A (p.Arg859Gln)

Gene: GRIN1 (glutamate ionotropic receptor NMDA type subunit 1; plus strand). Cytogenetic location: 9q34.3.
Variant type: single nucleotide variant.
Coding change: c.2576G>A on transcript NM_007327.4 (MANE Select); coding-DNA position 2576, G replaced by A.
Protein change: p.Arg859Gln; replaces arginine 859 with glutamine.
Molecular consequence: missense variant.
Genome position (GRCh38, 1-based): chr9:137,163,891, G>A. VCF-style: chr9-137163891-G-A. GRCh37 (hg19) VCF-style: chr9-140058343-G-A.
Other names: c.2576G>A, p.Arg859Gln (NM_000832.7, NM_021569.4); c.2639G>A, p.Arg880Gln (NM_001185090.2, NM_001185091.2); short protein forms R880Q, R859Q.
Identifiers: ClinVar variation 1520067 (VCV001520067.30), dbSNP rs2131303507, ClinGen allele CA375726946.